The following is an entry in ClinVar:

ClinVar aggregate classification (germline): Uncertain significance (1 of 4 stars; one submission).

Conditions:
Cystic fibrosis (CF). Also called: MUCOVISCIDOSIS. Identifiers: Orphanet 586, MedGen C0010674, MONDO:0009061, OMIM 219700. Disease mechanism: loss of function.

Submission:

Ambry Genetics
Classification: Uncertain significance for Cystic fibrosis. Last evaluated: 2022-11-19. Review status: criteria provided, single submitter. Criteria: Ambry Variant Classification Scheme 2023. Collection method: clinical testing. Allele origin: germline.
Comment: The p.K246Q variant (also known as c.736A>C), located in coding exon 6 of the CFTR gene, results from an A to C substitution at nucleotide position 736. The lysine at codon 246 is replaced by glutamine, an amino acid with similar properties. This amino acid position is conserved. In addition, the in silico prediction for this alteration is inconclusive. Since supporting evidence is limited at this time, the clinical significance of this alteration remains unclear.

NM_000492.4(CFTR):c.736A>C (p.Lys246Gln)

Gene: CFTR (CF transmembrane conductance regulator; plus strand). Cytogenetic location: 7q31.2.
Variant type: single nucleotide variant.
Coding change: c.736A>C on transcript NM_000492.4 (MANE Select); coding-DNA position 736, A replaced by C.
Protein change: p.Lys246Gln; replaces lysine 246 with glutamine.
Molecular consequence: missense variant.
Genome position (GRCh38, 1-based): chr7:117,535,404, A>C. VCF-style: chr7-117535404-A-C. GRCh37 (hg19) VCF-style: chr7-117175458-A-C.
Other names: short protein forms K246Q.
Identifiers: ClinVar variation 2453616 (VCV002453616.2), dbSNP rs2485017580, ClinGen allele CA368977201.